The following is an entry in ClinVar:

NM_005535.3(IL12RB1):c.271G>A (p.Ala91Thr)

Gene: IL12RB1 (interleukin 12 receptor subunit beta 1; minus strand). Cytogenetic location: 19p13.11.
Variant type: single nucleotide variant.
Coding change: c.271G>A on transcript NM_005535.3 (MANE Select); coding-DNA position 271, G replaced by A.
Protein change: p.Ala91Thr; replaces alanine 91 with threonine.
Molecular consequence: missense variant.
Genome position (GRCh38, 1-based): chr19:18,080,970, C>T on the plus strand (G>A on the coding strand, the complement: IL12RB1 is on the minus strand). VCF-style: chr19-18080970-C-T. GRCh37 (hg19) VCF-style: chr19-18191780-C-T.
Other names: c.271G>A, p.Ala91Thr (NM_001290023.2, NM_153701.3); c.391G>A, p.Ala131Thr (NM_001290024.2); short protein forms A91T, A131T.
Identifiers: ClinVar variation 328602 (VCV000328602.17), dbSNP rs147215816, ClinGen allele CA9305267.

ClinVar aggregate classification (germline): Benign. Review status: criteria provided, multiple submitters, no conflicts (2 of 4 stars). 4 submissions from 4 submitters: Benign (3). 1 of the submissions does not count toward it. Last evaluated 2026-01-22.

Conditions:
IL12RB1-related disorder. Also called: IL12RB1-related condition.
Mendelian susceptibility to mycobacterial diseases due to complete IL12RB1 deficiency. Also called: IL12RB1 DEFICIENCY; Immunodeficiency 30. Identifiers: Orphanet 319552, MedGen C4013949, MONDO:0013955, OMIM 614891.

Allele frequency attached by ClinVar (database versions not stated): gnomAD 0.00109 and 0.00139; TOPMed 0.00172; 1000 Genomes Project 30x 0.00718; 1000 Genomes Project 0.00759.
gnomAD v4.1: 1,367 of 1,613,386 alleles (0.085%); highest among the groups gnomAD compares: East Asian, 2.8%; 32 homozygotes.

Submissions (4):

Labcorp Genetics (formerly Invitae), Labcorp
Classification: Benign for Mendelian susceptibility to mycobacterial diseases due to complete IL12RB1 deficiency. Last evaluated: 2026-01-22. Review status: criteria provided, single submitter. Criteria: Invitae Variant Classification Sherloc (09022015). Collection method: clinical testing. Allele origin: germline.

Illumina Laboratory Services, Illumina
Classification: Benign for Mendelian susceptibility to mycobacterial diseases due to complete IL12RB1 deficiency. Last evaluated: 2018-01-12. Review status: criteria provided, single submitter. Criteria: ICSL Variant Classification Criteria 13 December 2019. Collection method: clinical testing. Allele origin: germline.
Comment: This variant was observed in the ICSL laboratory as part of a predisposition screen in an ostensibly healthy population. It had not been previously curated by ICSL or reported in the Human Gene Mutation Database (HGMD: prior to June 1st, 2018), and was therefore a candidate for classification through an automated scoring system. Utilizing variant allele frequency, disease prevalence and penetrance estimates, and inheritance mode, an automated score was calculated to assess if this variant is too frequent to cause the disease. Based on the score and internal cut-off values, a variant classified as benign is not then subjected to further curation. The score for this variant resulted in a classification of benign for this disease.

Breakthrough Genomics
Classification: Benign. Review status: criteria provided, single submitter. Criteria: ACMG Guidelines, 2015. Collection method: not provided. Allele origin: germline. Inheritance: Autosomal recessive inheritance. Affected: yes.

PreventionGenetics, part of Exact Sciences
Classification: Benign for IL12RB1-related condition. Last evaluated: 2019-06-25. Review status: no assertion criteria provided. Collection method: clinical testing. Allele origin: germline. Not counted in ClinVar's aggregate classification.
Comment: This variant is classified as benign based on ACMG/AMP sequence variant interpretation guidelines (Richards et al. 2015 PMID: 25741868, with internal and published modifications).